The following is an entry in ClinVar:

ClinVar aggregate classification (germline): Uncertain significance (1 of 4 stars; one submission).

Conditions:
Neuronopathy, distal hereditary motor, autosomal recessive 5. Also called: Spinal muscular atrophy, distal, autosomal recessive, 5; NEUROPATHY, DISTAL HEREDITARY MOTOR, AUTOSOMAL RECESSIVE 5; Young adult-onset distal hereditary motor neuropathy. Identifiers: Orphanet 314485, Orphanet 443950, MedGen C4749918, MONDO:0013947, OMIM 614881.

Submission:

Labcorp Genetics (formerly Invitae), Labcorp
Classification: Uncertain significance for Neuronopathy, distal hereditary motor, autosomal recessive 5. Last evaluated: 2021-11-05. Review status: criteria provided, single submitter. Criteria: Invitae Variant Classification Sherloc (09022015). Collection method: clinical testing. Allele origin: germline.
Comment: In summary, the available evidence is currently insufficient to determine the role of this variant in disease. Therefore, it has been classified as a Variant of Uncertain Significance. Algorithms developed to predict the effect of missense changes on protein structure and function (SIFT, PolyPhen-2, Align-GVGD) all suggest that this variant is likely to be disruptive. This variant has not been reported in the literature in individuals affected with DNAJB2-related conditions. This variant is not present in population databases (gnomAD no frequency). This sequence change replaces arginine, which is basic and polar, with cysteine, which is neutral and slightly polar, at codon 97 of the DNAJB2 protein (p.Arg97Cys).

NM_006736.6(DNAJB2):c.289C>T (p.Arg97Cys)

Gene: DNAJB2 (DnaJ heat shock protein family (Hsp40) member B2; plus strand). Cytogenetic location: 2q35.
Variant type: single nucleotide variant.
Coding change: c.289C>T on transcript NM_006736.6 (MANE Select); coding-DNA position 289, C replaced by T.
Protein change: p.Arg97Cys; replaces arginine 97 with cysteine.
Molecular consequence: missense variant.
Genome position (GRCh38, 1-based): chr2:219,281,998, C>T. VCF-style: chr2-219281998-C-T. GRCh37 (hg19) VCF-style: chr2-220146720-C-T.
Other names: c.289C>T, p.Arg97Cys (NM_001039550.2); short protein forms R97C.
Identifiers: ClinVar variation 1353270 (VCV001353270.6), dbSNP rs1951909330, ClinGen allele CA350648083.